The following is an entry in ClinVar:

NM_000059.4(BRCA2):c.9376del (p.Gln3126fs)

Gene: BRCA2 (BRCA2 DNA repair associated; plus strand). Cytogenetic location: 13q13.1.
Variant type: Deletion.
Coding change: c.9376del on transcript NM_000059.4 (MANE Select); coding-DNA position 9376, one base deleted (C; older notation c.9376delC).
Protein change: p.Gln3126fs; shifts the reading frame from glutamine 3126.
Molecular consequence: frameshift variant.
Genome position (GRCh38, 1-based): chr13:32,394,808, C deleted; the last of 2 consecutive C bases (chr13:32,394,807-32,394,808); deleting either gives the same sequence. VCF-style (leftmost placement, unchanged base first): chr13-32394806-TC-T. GRCh37 (hg19) VCF-style: chr13-32968943-TC-T.
Other names: 9604delC; c.9376delC (NM_000059.3); short protein forms Q3126fs.
Identifiers: ClinVar variation 91523 (VCV000091523.13), dbSNP rs398122612, ClinGen allele CA026123.
Genomic context (GRCh38, chr13:32,394,806, plus strand): 5'-TTTGGATAGACCTTAATGAGGACATTATTAAGCCTCATATGTTAATTGCTGCAAGCAACC[TC>T]CAGTGGCGACCAGAATCCAAATCAGGCCTTCTTACTTTATTTGCTGGAGATTTTTCTGTG-3'

ClinVar aggregate classification (germline): Pathogenic. Review status: reviewed by expert panel (3 of 4 stars). 5 submissions from 5 submitters: Pathogenic (1). 4 of the submissions do not count toward it. Last evaluated 2016-09-08.

Conditions:
Hereditary breast ovarian cancer syndrome. Also called: Breast and ovarian cancer; Hereditary breast and ovarian cancer; Hereditary breast and ovarian cancer syndrome; BRCA1- and BRCA2-Associated Hereditary Breast and Ovarian Cancer; Hereditary breast and ovarian cancer syndrome (HBOC); Hereditary breast and/or ovarian cancer syndrome. Identifiers: Orphanet 145, MedGen C0677776, MeSH D061325, MONDO:0003582. Disease mechanism: loss of function.
Hereditary cancer-predisposing syndrome. Also called: Tumor predisposition; Hereditary Cancer Syndrome; Neoplastic Syndromes, Hereditary; Hereditary neoplastic syndrome. Identifiers: Orphanet 140162, MedGen C0027672, MeSH D009386, MONDO:0015356.
Breast-ovarian cancer, familial, susceptibility to, 2 (BROVCA2). Also called: BRCA2 Hereditary Breast and Ovarian Cancer. Identifiers: Orphanet 145, MedGen C2675520, MONDO:0012933, OMIM 612555. Disease mechanism: loss of function.

Submissions (5):

Evidence-based Network for the Interpretation of Germline Mutant Alleles (ENIGMA)
Classification: Pathogenic for Breast-ovarian cancer, familial, susceptibility to, 2. Last evaluated: 2016-09-08. Review status: reviewed by expert panel. Criteria: ENIGMA BRCA1/2 Classification Criteria (2015). Collection method: curation. Allele origin: germline.
Comment: Variant allele predicted to encode a truncated non-functional protein.

Ambry Genetics
Classification: Pathogenic for Hereditary cancer-predisposing syndrome. Last evaluated: 2025-04-25. Review status: criteria provided, single submitter. Criteria: Ambry Variant Classification Scheme 2023. Collection method: clinical testing. Allele origin: germline. Not counted in ClinVar's aggregate classification.
Comment: The c.9376delC variant, located in coding exon 24 of the BRCA2 gene, results from a deletion of one nucleotide at nucleotide position 9376, causing a translational frameshift with a predicted alternate stop codon (p.Q3126Sfs*37). This alteration, designated as c.9375delC, was detected in 1/512 Polish women with familial and/or early onset breast and/or ovarian cancers (Kluska A et al. BMC Med Genomics 2015 May;8:19). This variant is considered to be rare based on population cohorts in the Genome Aggregation Database (gnomAD). In addition to the clinical data presented in the literature, this alteration is expected to result in loss of function by premature protein truncation or nonsense-mediated mRNA decay. As such, this alteration is interpreted as a disease-causing mutation.

Labcorp Genetics (formerly Invitae), Labcorp
Classification: Pathogenic for Hereditary breast ovarian cancer syndrome. Last evaluated: 2024-02-19. Review status: criteria provided, single submitter. Criteria: Invitae Variant Classification Sherloc (09022015). Collection method: clinical testing. Allele origin: germline. Not counted in ClinVar's aggregate classification.
Comment: This sequence change creates a premature translational stop signal (p.Gln3126Serfs*37) in the BRCA2 gene. It is expected to result in an absent or disrupted protein product. Loss-of-function variants in BRCA2 are known to be pathogenic (PMID: 20104584). This variant is not present in population databases (gnomAD no frequency). This premature translational stop signal has been observed in individual(s) with breast and/or ovarian cancer (PMID: 25948282). This variant is also known as c.9375del. ClinVar contains an entry for this variant (Variation ID: 91523). For these reasons, this variant has been classified as Pathogenic.

Color Diagnostics, LLC DBA Color Health
Classification: Pathogenic for Hereditary cancer-predisposing syndrome. Last evaluated: 2021-09-21. Review status: criteria provided, single submitter. Criteria: ACMG Guidelines, 2015. Collection method: clinical testing. Allele origin: germline. Not counted in ClinVar's aggregate classification.
Comment: This variant deletes 1 nucleotide in exon 25 of the BRCA2 gene, creating a frameshift and premature translation stop signal. This variant is expected to result in an absent or non-functional protein product. To our knowledge, functional studies have not been reported for this variant. This variant has been detected in at least two individuals affected with breast or ovarian cancer (PMID: 25948282; Color internal data). This variant has not been identified in the general population by the Genome Aggregation Database (gnomAD). Loss of BRCA2 function is a known mechanism of disease. Based on the available evidence, this variant is classified as Pathogenic.

Sharing Clinical Reports Project (SCRP)
Classification: Pathogenic for Breast-ovarian cancer, familial 2. Last evaluated: 2010-04-21. Review status: no assertion criteria provided. Collection method: clinical testing. Allele origin: germline. Not counted in ClinVar's aggregate classification.

Literature cited by the submitters: PubMed 25948282 (cited by 3 submitters); PubMed 20104584 (cited by Labcorp Genetics (formerly Invitae), Labcorp).